The following is an entry in ClinVar:

NM_002641.4(PIGA):c.1183G>A (p.Glu395Lys)

Gene: PIGA (phosphatidylinositol glycan anchor biosynthesis class A; minus strand). Cytogenetic location: Xp22.2.
Variant type: single nucleotide variant.
Coding change: c.1183G>A on transcript NM_002641.4 (MANE Select); coding-DNA position 1183, G replaced by A.
Protein change: p.Glu395Lys; replaces glutamic acid 395 with lysine.
Molecular consequence: missense variant. On other transcripts: non-coding transcript variant (2).
Genome position (GRCh38, 1-based): chrX:15,324,670, C>T on the plus strand (G>A on the coding strand, the complement: PIGA is on the minus strand). VCF-style: chrX-15324670-C-T. GRCh37 (hg19) VCF-style: chrX-15342792-C-T.
Other names: c.481G>A, p.Glu161Lys (NM_020473.3); short protein forms E161K, E395K.
Identifiers: ClinVar variation 397534 (VCV000397534.10), dbSNP rs1060499666, ClinGen allele CA16609405.

ClinVar aggregate classification (germline): Conflicting classifications of pathogenicity. Review status: criteria provided, conflicting classifications (1 of 4 stars). 2 submissions from 2 submitters: Likely pathogenic (1); Uncertain significance (1). Last evaluated 2020-11-06.

Conditions:
Multiple congenital anomalies-hypotonia-seizures syndrome 2 (MCAHS2). Also called: EPILEPTIC ENCEPHALOPATHY, EARLY INFANTILE, 20; GLYCOSYLPHOSPHATIDYLINOSITOL BIOSYNTHESIS DEFECT 4. Identifiers: Orphanet 300496, MedGen C3275508, MONDO:0010466, OMIM 300868.

Submissions (2):

Labcorp Genetics (formerly Invitae), Labcorp
Classification: Uncertain significance for Multiple congenital anomalies-hypotonia-seizures syndrome 2. Last evaluated: 2020-11-06. Review status: criteria provided, single submitter. Criteria: Invitae Variant Classification Sherloc (09022015). Collection method: clinical testing. Allele origin: germline.
Comment: In summary, the available evidence is currently insufficient to determine the role of this variant in disease. Therefore, it has been classified as a Variant of Uncertain Significance. Algorithms developed to predict the effect of missense changes on protein structure and function are either unavailable or do not agree on the potential impact of this missense change (SIFT: "Tolerated"; PolyPhen-2: "Possibly Damaging"; Align-GVGD: "Class C0"). This variant has been observed in individual(s) with clinical features of PIGA-congenital disorder of glycosylation (PMID: 27353043). This variant is also known as c.481G>A (p.Glu161Lys). ClinVar contains an entry for this variant (Variation ID: 397534). This variant is not present in population databases (ExAC no frequency). This sequence change replaces glutamic acid with lysine at codon 395 of the PIGA protein (p.Glu395Lys). The glutamic acid residue is moderately conserved and there is a small physicochemical difference between glutamic acid and lysine.

Center of Genomic medicine, Geneva, University Hospital of Geneva
Classification: Likely pathogenic for Multiple congenital anomalies-hypotonia-seizures syndrome 2. Last evaluated: 2014-08-12. Review status: criteria provided, single submitter. Criteria: MacArthur et al. (Nature 2014). Collection method: clinical testing. Allele origin: maternal. Affected: yes. Observed: 3 variant alleles.

Literature cited by the submitters: PubMed 27353043 (cited by Labcorp Genetics (formerly Invitae), Labcorp).